The following is an entry in ClinVar:

ClinVar aggregate classification (germline): Conflicting classifications of pathogenicity. Review status: criteria provided, conflicting classifications (1 of 4 stars). 7 submissions from 7 submitters: Uncertain significance (6); Likely benign (1). Last evaluated 2025-07-06.

Conditions:
Familial isolated arrhythmogenic right ventricular dysplasia. Identifiers: Orphanet 217656, MedGen C4274968, MONDO:0016342.
Arrhythmogenic right ventricular dysplasia 11. Also called: Arrhythmogenic Right Ventricular Dysplasia/Cardiomyopathy11; Arrhythmogenic right ventricular dysplasia 11 with mild palmoplantar keratoderma and woolly hair; ARRHYTHMOGENIC RIGHT VENTRICULAR DYSPLASIA, FAMILIAL, 11. Identifiers: MedGen C1864850, MONDO:0012506, OMIM 610476.
Cardiovascular phenotype. Identifiers: MedGen CN230736.
Cardiomyopathy (CMYO). Also called: Cardiomyopathies. Identifiers: Orphanet 167848, MedGen C0878544, MONDO:0004994, HP:0001638. Inheritance: Various modes of inheritance.

Allele frequency attached by ClinVar (database versions not stated): gnomAD 0.00001; TOPMed 0.00001; ExAC 0.00002; gnomAD exomes 0.00002.

Submissions (7):

Labcorp Genetics (formerly Invitae), Labcorp
Classification: Uncertain significance for Arrhythmogenic right ventricular dysplasia 11. Last evaluated: 2025-07-06. Review status: criteria provided, single submitter. Criteria: Invitae Variant Classification Sherloc (09022015). Collection method: clinical testing. Allele origin: germline.
Comment: This sequence change replaces threonine, which is neutral and polar, with methionine, which is neutral and non-polar, at codon 814 of the DSC2 protein (p.Thr814Met). This variant is present in population databases (rs756497616, gnomAD 0.01%). This variant has not been reported in the literature in individuals affected with DSC2-related conditions. ClinVar contains an entry for this variant (Variation ID: 926604). Invitae Evidence Modeling of protein sequence and biophysical properties (such as structural, functional, and spatial information, amino acid conservation, physicochemical variation, residue mobility, and thermodynamic stability) indicates that this missense variant is not expected to disrupt DSC2 protein function with a negative predictive value of 80%. In summary, the available evidence is currently insufficient to determine the role of this variant in disease. Therefore, it has been classified as a Variant of Uncertain Significance.

All of Us Research Program, National Institutes of Health
Classification: Uncertain significance for Familial isolated arrhythmogenic right ventricular dysplasia. Last evaluated: 2024-08-13. Review status: criteria provided, single submitter. Criteria: ACMG Guidelines, 2015. Collection method: clinical testing. Allele origin: germline. Inheritance: Autosomal dominant inheritance. Observed: 4 variant alleles, 4 heterozygotes.
Comment: This missense variant replaces threonine with methionine at codon 814 of the DSC2 protein. Computational prediction tools and conservation analyses are inconclusive regarding the impact of this variant on the protein function. Computational splicing tools suggest that this variant may not impact RNA splicing. To our knowledge, functional assays have not been performed for this variant nor has this variant been reported in individuals affected with cardiovascular disorders in the literature. This variant has been identified in 5/251226 chromosomes in the general population by the Genome Aggregation Database (gnomAD). Available evidence is insufficient to determine the role of this variant in disease conclusively. Therefore, this variant is classified as a Variant of Uncertain Significance.

This study involves interpretation of variants in research participants for the purpose of population health screening. Participant phenotype was not available at the time of variant classification. Additional details can be found in publication PMID: 35346344, PMCID: PMC8962531

Color Diagnostics, LLC DBA Color Health
Classification: Uncertain significance for Cardiomyopathy. Last evaluated: 2024-03-07. Review status: criteria provided, single submitter. Criteria: ACMG Guidelines, 2015. Collection method: clinical testing. Allele origin: germline.
Comment: This missense variant replaces threonine with methionine at codon 814 of the DSC2 protein. Computational prediction suggests that this variant may not impact protein structure and function (internally defined REVEL score threshold <= 0.5, PMID: 27666373). To our knowledge, functional studies have not been reported for this variant. This variant has not been reported in individuals affected with cardiovascular disorders in the literature. This variant has been identified in 5/251226 chromosomes in the general population by the Genome Aggregation Database (gnomAD). The available evidence is insufficient to determine the role of this variant in disease conclusively. Therefore, this variant is classified as a Variant of Uncertain Significance.

Ambry Genetics
Classification: Likely benign for Cardiovascular phenotype. Last evaluated: 2023-03-27. Review status: criteria provided, single submitter. Criteria: Ambry Variant Classification Scheme 2023. Collection method: clinical testing. Allele origin: germline.

Blueprint Genetics
Classification: Uncertain significance. Last evaluated: 2022-08-24. Review status: criteria provided, single submitter. Criteria: ACMG Guidelines, 2015. Collection method: clinical testing. Allele origin: germline.

Fulgent Genetics
Classification: Uncertain significance for Arrhythmogenic right ventricular dysplasia 11. Last evaluated: 2021-11-20. Review status: criteria provided, single submitter. Criteria: ACMG Guidelines, 2015. Collection method: clinical testing. Allele origin: unknown.

GeneDx
Classification: Uncertain significance. Last evaluated: 2021-01-05. Review status: criteria provided, single submitter. Criteria: GeneDx Variant Classification Process June 2021. Collection method: clinical testing. Allele origin: germline. Affected: yes.
Comment: Not observed at a significant frequency in large population cohorts (Lek et al., 2016); In silico analysis supports that this missense variant does not alter protein structure/function; Has not been previously published as pathogenic or benign to our knowledge

NM_024422.6(DSC2):c.2441C>T (p.Thr814Met)

Gene: DSC2 (desmocollin 2; minus strand). Cytogenetic location: 18q12.1.
Variant type: single nucleotide variant.
Coding change: c.2441C>T on transcript NM_024422.6 (MANE Select); coding-DNA position 2441, C replaced by T.
Protein change: p.Thr814Met; replaces threonine 814 with methionine.
Molecular consequence: missense variant.
Genome position (GRCh38, 1-based): chr18:31,068,961, G>A on the plus strand (C>T on the coding strand, the complement: DSC2 is on the minus strand). VCF-style: chr18-31068961-G-A. GRCh37 (hg19) VCF-style: chr18-28648927-G-A.
Other names: c.2441C>T, p.Thr814Met (NM_004949.5); short protein forms T814M.
Identifiers: ClinVar variation 926604 (VCV000926604.20), dbSNP rs756497616, ClinGen allele CA036788.